The following is an entry in ClinVar:

ClinVar aggregate classification (germline): Uncertain significance (1 of 4 stars; one submission).

Conditions:
Hereditary cancer-predisposing syndrome. Also called: Neoplastic Syndromes, Hereditary; Tumor predisposition; Hereditary Cancer Syndrome; Hereditary neoplastic syndrome. Identifiers: Orphanet 140162, MedGen C0027672, MeSH D009386, MONDO:0015356.

gnomAD v4.1: 2 of 1,601,160 alleles (0.00012%); highest among the groups gnomAD compares: East Asian, 0.0022%; no homozygotes.

Submission:

Ambry Genetics
Classification: Uncertain significance for Hereditary cancer-predisposing syndrome. Last evaluated: 2025-08-08. Review status: criteria provided, single submitter. Criteria: Ambry Variant Classification Scheme 2023. Collection method: clinical testing. Allele origin: germline.
Comment: The p.P51S variant (also known as c.151C>T), located in coding exon 1 of the TMEM127 gene, results from a C to T substitution at nucleotide position 151. The proline at codon 51 is replaced by serine, an amino acid with similar properties. This amino acid position is conserved. In addition, this alteration is predicted to be deleterious by in silico analysis. Based on the available evidence, the clinical significance of this variant remains unclear.

NM_017849.4(TMEM127):c.151C>T (p.Pro51Ser)

Gene: TMEM127 (transmembrane protein 127; minus strand). Cytogenetic location: 2q11.2.
Variant type: single nucleotide variant.
Coding change: c.151C>T on transcript NM_017849.4 (MANE Select); coding-DNA position 151, C replaced by T.
Protein change: p.Pro51Ser; replaces proline 51 with serine.
Molecular consequence: missense variant. On other transcripts: intron variant (1).
Genome position (GRCh38, 1-based): chr2:96,265,231, G>A on the plus strand (C>T on the coding strand, the complement: TMEM127 is on the minus strand). VCF-style: chr2-96265231-G-A. GRCh37 (hg19) VCF-style: chr2-96930969-G-A.
Other names: c.151C>T, p.Pro51Ser (NM_001193304.3); c.-9+638C>T (NM_001407283.1); short protein forms P51S.
Identifiers: ClinVar variation 4185915 (VCV004185915.1).
Genomic context (GRCh38, chr2:96,265,231, plus strand): 5'-CGTCGGAGACCCCCAGCTCCTGGCGCGAACAGGTGCCTCCGTGGATGTGCAACCAGGCGG[G>A]CTCGGCGAGGGCAGTGCACAGCGCCGTGATAGACAGGGCGCCAGGCAGGGCCGAGGCCAG-3'
Protein context (NP_060319.1, residues 41-61): ITALCTALAE[Pro51Ser]AWLHIHGGTC